The following is an entry in ClinVar:

NM_001329943.3(KIAA0586):c.4377_4378del (p.Ser1460fs)

Gene: KIAA0586 (KIAA0586; plus strand). Cytogenetic location: 14q23.1.
Variant type: Deletion.
Coding change: c.4377_4378del on transcript NM_001329943.3 (MANE Select); coding-DNA positions 4377 to 4378, 2 bases deleted (AA; older notation c.4377_4378delAA).
Protein change: p.Ser1460fs; shifts the reading frame from serine 1460.
Molecular consequence: frameshift variant.
Genome position (GRCh38, 1-based): chr14:58,512,575-58,512,576, AA deleted; deleting any 2 consecutive bases within chr14:58,512,574-58,512,576 gives the same sequence; the c. name uses the placement nearest the transcript's 3' end. VCF-style (leftmost placement, unchanged base first): chr14-58512573-CAA-C. GRCh37 (hg19) VCF-style: chr14-58979291-CAA-C.
Other names: c.4536_4537del (NM_001244189.1); c.4536_4537del, p.Ser1513fs (NM_001244189.2); c.4332_4333del, p.Ser1445fs (NM_001244190.2); c.4122_4123del, p.Ser1375fs (NM_001244191.2, NM_001329945.2, NM_001364700.1 and 1 more transcripts); c.4245_4246del, p.Ser1416fs (NM_001244192.2, NM_001329947.2); c.3957_3958del, p.Ser1320fs (NM_001244193.2); c.4377_4378del, p.Ser1460fs (NM_001329944.2, NM_001329946.2); c.4149_4150del, p.Ser1384fs (NM_014749.5); short protein forms S1384fs, S1416fs, S1375fs, S1320fs, S1445fs, S1460fs, S1513fs.
Identifiers: ClinVar variation 2085851 (VCV002085851.7), dbSNP rs751356878, ClinGen allele CA7206381.

ClinVar aggregate classification (germline): Conflicting classifications of pathogenicity. Review status: criteria provided, conflicting classifications (1 of 4 stars). 2 submissions from 2 submitters: Pathogenic (1); Uncertain significance (1). Last evaluated 2022-09-17.

Conditions:
Short-rib thoracic dysplasia 14 with polydactyly (SRTD14). Identifiers: Orphanet 397715, MedGen C4225286, MONDO:0014688, OMIM 616546.
Joubert syndrome 23 (JBTS23). Identifiers: Orphanet 475, MedGen C4084822, MONDO:0014664, OMIM 616490.

Submissions (2):

Labcorp Genetics (formerly Invitae), Labcorp
Classification: Pathogenic for Joubert syndrome 23; Short-rib thoracic dysplasia 14 with polydactyly. Last evaluated: 2022-09-17. Review status: criteria provided, single submitter. Criteria: Invitae Variant Classification Sherloc (09022015). Collection method: clinical testing. Allele origin: germline.
Comment: For these reasons, this variant has been classified as Pathogenic. Algorithms developed to predict the effect of sequence changes on RNA splicing suggest that this variant may disrupt the consensus splice site. This variant has not been reported in the literature in individuals affected with KIAA0586-related conditions. This variant is not present in population databases (gnomAD no frequency). This sequence change creates a premature translational stop signal (p.Ser1513Leufs*5) in the KIAA0586 gene. It is expected to result in an absent or disrupted protein product. Loss-of-function variants in KIAA0586 are known to be pathogenic (PMID: 26096313, 26166481, 26386044).

Revvity Omics, Revvity
Classification: Uncertain significance. Last evaluated: 2020-03-18. Review status: criteria provided, single submitter. Criteria: ACMG Guidelines, 2015. Collection method: clinical testing. Allele origin: germline.

Literature cited by the submitters: PubMed 26096313 (cited by Labcorp Genetics (formerly Invitae), Labcorp); PubMed 26166481 (cited by Labcorp Genetics (formerly Invitae), Labcorp); PubMed 26386044 (cited by Labcorp Genetics (formerly Invitae), Labcorp).